The following is an entry in ClinVar:

NM_003978.5(PSTPIP1):c.1152C>T (p.Asp384=)

Gene: PSTPIP1 (proline-serine-threonine phosphatase interacting protein 1; plus strand). Cytogenetic location: 15q24.3.
Variant type: single nucleotide variant.
Coding change: c.1152C>T on transcript NM_003978.5 (MANE Select); coding-DNA position 1152, C replaced by T.
Protein change: p.Asp384=; no amino-acid change (aspartic acid 384 retained).
Molecular consequence: synonymous variant. On other transcripts: non-coding transcript variant (1).
Genome position (GRCh38, 1-based): chr15:77,037,077, C>T. VCF-style: chr15-77037077-C-T. GRCh37 (hg19) VCF-style: chr15-77329418-C-T.
Other names: c.1095C>T, p.Asp365= (NM_001321135.2); c.1125C>T, p.Asp375= (NM_001321136.2); c.1347C>T, p.Asp449= (NM_001321137.1); c.1143C>T, p.Asp381= (NM_001411086.1).
Identifiers: ClinVar variation 5041243 (VCV005041243.1).

ClinVar aggregate classification (germline): Likely benign (1 of 4 stars; one submission).

gnomAD v4.1: 4 of 1,612,348 alleles (0.00025%); highest among the groups gnomAD compares: East Asian, 0.0022%; no homozygotes.

Submission:

CeGaT Center for Human Genetics Tuebingen
Classification: Likely benign. Last evaluated: 2026-09-01. Review status: criteria provided, single submitter. Criteria: CeGaT Center For Human Genetics Tuebingen Variant Classification Criteria Version 2. Collection method: clinical testing. Allele origin: germline. Affected: yes. Observed: 1 variant allele.
Comment: PSTPIP1: BP4, BP7